The following is an entry in ClinVar:

ClinVar aggregate classification (germline): Pathogenic (1 of 4 stars; one submission).

Conditions:
Early-infantile DEE. Also called: Early infantile epileptic encephalopathy; Ohtahara syndrome; Early infantile epileptic encephalopathy with suppression bursts. Identifiers: Orphanet 1934, MedGen C0393706, MONDO:0800491.

Submission:

Labcorp Genetics (formerly Invitae), Labcorp
Classification: Pathogenic for Early-infantile DEE. Last evaluated: 2023-07-07. Review status: criteria provided, single submitter. Criteria: Invitae Variant Classification Sherloc (09022015). Collection method: clinical testing. Allele origin: germline.
Comment: For these reasons, this variant has been classified as Pathogenic. This sequence change replaces leucine, which is neutral and non-polar, with phenylalanine, which is neutral and non-polar, at codon 61 of the SCN1A protein (p.Leu61Phe). This variant is not present in population databases (gnomAD no frequency). This missense change has been observed in individual(s) with SCN1A-related conditions (PMID: 18930999, 28074849). ClinVar contains an entry for this variant (Variation ID: 1455017). Advanced modeling of protein sequence and biophysical properties (such as structural, functional, and spatial information, amino acid conservation, physicochemical variation, residue mobility, and thermodynamic stability) performed at Invitae indicates that this missense variant is expected to disrupt SCN1A protein function. This variant disrupts the p.Leu61 amino acid residue in SCN1A. Other variant(s) that disrupt this residue have been observed in individuals with SCN1A-related conditions (PMID: 26863999, 28837158, 31618753, 31765958), which suggests that this may be a clinically significant amino acid residue.

Literature cited by the submitters: PubMed 18930999; PubMed 28074849; PubMed 26863999; PubMed 28837158; PubMed 31618753; PubMed 31765958.

NM_001165963.4(SCN1A):c.181C>T (p.Leu61Phe)

Gene: SCN1A (sodium voltage-gated channel alpha subunit 1; minus strand). Cytogenetic location: 2q24.3.
Variant type: single nucleotide variant.
Coding change: c.181C>T on transcript NM_001165963.4 (MANE Select); coding-DNA position 181, C replaced by T.
Protein change: p.Leu61Phe; replaces leucine 61 with phenylalanine.
Molecular consequence: missense variant. On other transcripts: 5 prime UTR variant (1), non-coding transcript variant (1).
Genome position (GRCh38, 1-based): chr2:166,073,441, G>A on the plus strand (C>T on the coding strand, the complement: SCN1A is on the minus strand). VCF-style: chr2-166073441-G-A. GRCh37 (hg19) VCF-style: chr2-166929951-G-A.
Other names: c.181C>T, p.Leu61Phe (NM_001165964.3, NM_001202435.3, NM_001353948.2 and 10 more transcripts); c.-2245C>T (NM_001353961.2); short protein forms L61F.
Identifiers: ClinVar variation 1455017 (VCV001455017.9), dbSNP rs2105982797, ClinGen allele CA349242906.
Genomic context (GRCh38, chr2:166,073,441, plus strand): 5'-CCAGGTCCTCCAGGGGCTCTGACACCATCTCTGGAGGAATGTCTCCATAAATAAATGGAA[G>A]GTTCTTTCCAGCTTCCAAGTCACTATTTGGCTTTGGGCCATTTTCGTCGTCATCTTTTTT-3'
Protein context (NP_001159435.1, residues 51-71): PNSDLEAGKN[Leu61Phe]PFIYGDIPPE